The following is an entry in ClinVar:

ClinVar aggregate classification (germline): Uncertain significance (1 of 4 stars; one submission).

Allele frequency attached by ClinVar (database versions not stated): gnomAD exomes below 0.00001; gnomAD 0.00001.
gnomAD v4.1: 3 of 1,300,560 alleles (0.00023%); highest among the groups gnomAD compares: Admixed American, 0.0043%; no homozygotes.

Submission:

GeneDx
Classification: Uncertain significance. Last evaluated: 2019-08-09. Review status: criteria provided, single submitter. Criteria: GeneDx Variant Classification Process June 2021. Collection method: clinical testing. Allele origin: germline. Affected: yes.
Comment: Not observed in large population cohorts (Lek et al., 2016); In silico analysis, which includes protein predictors and evolutionary conservation, supports that this variant does not alter protein structure/function; Has not been previously published as pathogenic or benign to our knowledge

NM_000540.3(RYR1):c.13018G>A (p.Val4340Met)

Gene: RYR1 (ryanodine receptor 1; plus strand). Cytogenetic location: 19q13.2.
Variant type: single nucleotide variant.
Coding change: c.13018G>A on transcript NM_000540.3 (MANE Select); coding-DNA position 13018, G replaced by A.
Protein change: p.Val4340Met; replaces valine 4340 with methionine.
Molecular consequence: missense variant.
Genome position (GRCh38, 1-based): chr19:38,565,352, G>A. VCF-style: chr19-38565352-G-A. GRCh37 (hg19) VCF-style: chr19-39055992-G-A.
Other names: c.13003G>A, p.Val4335Met (NM_001042723.2); short protein forms V4335M, V4340M.
Identifiers: ClinVar variation 1307413 (VCV001307413.2), dbSNP rs1186945915, ClinGen allele CA405673014.
Genomic context (GRCh38, chr19:38,565,352, plus strand): 5'-CTGCGGCGGCTTACGGCCCGCGAGGCGGCCACCGCAGTGGCGGCGCTGCTCTGGGCAGCA[G>A]TGACGCGCGCTGGGGCCGCTGGCGCGGGGGCGGCGGCGGGCGCGCTGGGCCTGCTCTGGG-3'
Protein context (NP_000531.2, residues 4330-4350): TAVAALLWAA[Val4340Met]TRAGAAGAGA